The following is an entry in ClinVar:

NM_006306.4(SMC1A):c.2908T>A (p.Ser970Thr)

Gene: SMC1A (structural maintenance of chromosomes 1A; minus strand). Cytogenetic location: Xp11.22.
Variant type: single nucleotide variant.
Coding change: c.2908T>A on transcript NM_006306.4 (MANE Select); coding-DNA position 2908, T replaced by A.
Protein change: p.Ser970Thr; replaces serine 970 with threonine.
Molecular consequence: missense variant.
Genome position (GRCh38, 1-based): chrX:53,394,843, A>T on the plus strand (T>A on the coding strand, the complement: SMC1A is on the minus strand). VCF-style: chrX-53394843-A-T. GRCh37 (hg19) VCF-style: chrX-53421763-A-T.
Other names: c.2842T>A, p.Ser948Thr (NM_001281463.1); short protein forms S948T, S970T.
Identifiers: ClinVar variation 916372 (VCV000916372.44), dbSNP rs1239033094, ClinGen allele CA413247427.
Genomic context (GRCh38, chrX:53,394,843, plus strand): 5'-GATCCTCACACAGATCACCGTAGTCAATCTCAATGAGGGCCTCTCGTGCATAGATACTGG[A>T]AATTCTCTGTGAACCACTCACTGAGTCCTCCCCCTGGGAGCTACCCTGCAATGGCAACGG-3'
Protein context (NP_006297.2, residues 960-980): EDSVSGSQRI[Ser970Thr]SIYAREALIE

ClinVar aggregate classification (germline): Uncertain significance. Review status: criteria provided, multiple submitters, no conflicts (2 of 4 stars). 2 submissions from 2 submitters: Uncertain significance (2). Last evaluated 2022-03-18.

Conditions:
Congenital muscular hypertrophy-cerebral syndrome (CDLS2). Also called: Cornelia de Lange syndrome 2; SMC1A-Related Cornelia de Lange Syndrome. Identifiers: Orphanet 199, MedGen C1802395, MONDO:0010370, OMIM 300590.

Allele frequency attached by ClinVar (database versions not stated): TOPMed below 0.00001; gnomAD 0.00001; gnomAD exomes 0.00001.
gnomAD v4.1: 16 of 1,196,446 alleles (0.0013%); highest among the groups gnomAD compares: Non-Finnish European, 0.0018%; no homozygotes.

Submissions (2):

Labcorp Genetics (formerly Invitae), Labcorp
Classification: Uncertain significance for Congenital muscular hypertrophy-cerebral syndrome. Last evaluated: 2022-03-18. Review status: criteria provided, single submitter. Criteria: Invitae Variant Classification Sherloc (09022015). Collection method: clinical testing. Allele origin: germline.
Comment: This variant is present in population databases (no rsID available, gnomAD 0.001%). This sequence change replaces serine, which is neutral and polar, with threonine, which is neutral and polar, at codon 970 of the SMC1A protein (p.Ser970Thr). This variant has not been reported in the literature in individuals affected with SMC1A-related conditions. ClinVar contains an entry for this variant (Variation ID: 916372). Advanced modeling of protein sequence and biophysical properties (such as structural, functional, and spatial information, amino acid conservation, physicochemical variation, residue mobility, and thermodynamic stability) performed at Invitae indicates that this missense variant is not expected to disrupt SMC1A protein function. In summary, the available evidence is currently insufficient to determine the role of this variant in disease. Therefore, it has been classified as a Variant of Uncertain Significance.

CeGaT Center for Human Genetics Tuebingen
Classification: Uncertain significance. Last evaluated: 2020-03-01. Review status: criteria provided, single submitter. Criteria: CeGaT Center For Human Genetics Tuebingen Variant Classification Criteria Version 2. Collection method: clinical testing. Allele origin: germline. Affected: yes. Observed: 2 variant alleles.